The following is an entry in ClinVar:

NM_005228.5(EGFR):c.1481G>C (p.Arg494Thr)

Gene: EGFR (epidermal growth factor receptor; plus strand). Cytogenetic location: 7p11.2.
Variant type: single nucleotide variant.
Coding change: c.1481G>C on transcript NM_005228.5 (MANE Select); coding-DNA position 1481, G replaced by C.
Protein change: p.Arg494Thr; replaces arginine 494 with threonine.
Molecular consequence: missense variant.
Genome position (GRCh38, 1-based): chr7:55,160,321, G>C. VCF-style: chr7-55160321-G-C. GRCh37 (hg19) VCF-style: chr7-55228014-G-C.
Other names: c.1346G>C, p.Arg449Thr (NM_001346897.2, NM_001346899.2); c.1481G>C, p.Arg494Thr (NM_001346898.2, NM_201282.2, NM_201284.2); c.1322G>C, p.Arg441Thr (NM_001346900.2); c.680G>C, p.Arg227Thr (NM_001346941.2); short protein forms R227T, R494T, R441T, R449T.
Identifiers: ClinVar variation 1043394 (VCV001043394.10), dbSNP rs1785633400, ClinGen allele CA367579705.

ClinVar aggregate classification (germline): Uncertain significance (1 of 4 stars; one submission).

Conditions:
EGFR-related lung cancer (EGFR). Identifiers: MedGen CN130014.

Submission:

Labcorp Genetics (formerly Invitae), Labcorp
Classification: Uncertain significance for EGFR-related lung cancer. Last evaluated: 2022-01-27. Review status: criteria provided, single submitter. Criteria: Invitae Variant Classification Sherloc (09022015). Collection method: clinical testing. Allele origin: germline.
Comment: In summary, the available evidence is currently insufficient to determine the role of this variant in disease. Therefore, it has been classified as a Variant of Uncertain Significance. ClinVar contains an entry for this variant (Variation ID: 1043394). Algorithms developed to predict the effect of missense changes on protein structure and function (SIFT, PolyPhen-2, Align-GVGD) all suggest that this variant is likely to be tolerated. This sequence change replaces arginine, which is basic and polar, with threonine, which is neutral and polar, at codon 494 of the EGFR protein (p.Arg494Thr). This variant is not present in population databases (gnomAD no frequency). This variant has not been reported in the literature in individuals affected with EGFR-related conditions.